The following is an entry in ClinVar:

NM_000208.4(INSR):c.1428G>A (p.Lys476=)

Gene: INSR (insulin receptor; minus strand). Cytogenetic location: 19p13.2.
Variant type: single nucleotide variant.
Coding change: c.1428G>A on transcript NM_000208.4 (MANE Select); coding-DNA position 1428, G replaced by A.
Protein change: p.Lys476=; no amino-acid change (lysine 476 retained).
Molecular consequence: synonymous variant.
Genome position (GRCh38, 1-based): chr19:7,170,592, C>T on the plus strand (G>A on the coding strand, the complement: INSR is on the minus strand). VCF-style: chr19-7170592-C-T. GRCh37 (hg19) VCF-style: chr19-7170603-C-T.
Other names: c.1428G>A, p.Lys476= (NM_001079817.3).
Identifiers: ClinVar variation 3353042 (VCV003353042.1).

ClinVar aggregate classification (germline): Likely benign (0 of 4 stars; one submission).

Conditions:
INSR-related disorder.

gnomAD v4.1: 9 of 1,613,592 alleles (0.00056%); highest among the groups gnomAD compares: Middle Eastern, 0.017%; no homozygotes.

Submission:

PreventionGenetics, part of Exact Sciences
Classification: Likely benign for INSR-related condition. Last evaluated: 2019-03-28. Review status: no assertion criteria provided. Collection method: clinical testing. Allele origin: germline.
Comment: This variant is classified as likely benign based on ACMG/AMP sequence variant interpretation guidelines (Richards et al. 2015 PMID: 25741868, with internal and published modifications).